The following is an entry in ClinVar:

NM_024721.5(ZFHX4):c.5682C>A (p.Ser1894=)

Gene: ZFHX4 (zinc finger homeobox 4; plus strand). Cytogenetic location: 8q21.13.
Variant type: single nucleotide variant.
Coding change: c.5682C>A on transcript NM_024721.5 (MANE Select); coding-DNA position 5682, C replaced by A.
Protein change: p.Ser1894=; no amino-acid change (serine 1894 retained).
Molecular consequence: synonymous variant.
Genome position (GRCh38, 1-based): chr8:76,852,603, C>A. VCF-style: chr8-76852603-C-A. GRCh37 (hg19) VCF-style: chr8-77764839-C-A.
Other names: c.5604C>A, p.Ser1868= (NM_001410934.1).
Identifiers: ClinVar variation 3034731 (VCV003034731.2), dbSNP rs762275106, ClinGen allele CA4787702.

ClinVar aggregate classification (germline): Likely benign (0 of 4 stars; one submission).

Conditions:
ZFHX4-related disorder. Also called: ZFHX4-related condition.

Allele frequency attached by ClinVar (database versions not stated): ExAC 0.00002; gnomAD 0.00008; TOPMed 0.00014.

Submission:

PreventionGenetics, part of Exact Sciences
Classification: Likely benign for ZFHX4-related condition. Last evaluated: 2019-08-08. Review status: no assertion criteria provided. Collection method: clinical testing. Allele origin: germline.
Comment: This variant is classified as likely benign based on ACMG/AMP sequence variant interpretation guidelines (Richards et al. 2015 PMID: 25741868, with internal and published modifications).